The following is an entry in ClinVar:

ClinVar aggregate classification (germline): Pathogenic/Likely pathogenic. Review status: criteria provided, multiple submitters, no conflicts (2 of 4 stars). 8 submissions from 8 submitters: Pathogenic (5); Likely pathogenic (1). 2 of the submissions do not count toward it. Last evaluated 2026-01-28.

Conditions:
Wilson disease (WND). Also called: Wilson's disease. Identifiers: Orphanet 905, MedGen C0019202, MONDO:0010200, OMIM 277900. Disease mechanism: loss of function.

Submissions (8):

3billion
Classification: Pathogenic for Wilson disease. Last evaluated: 2026-01-28. Review status: criteria provided, single submitter. Criteria: ACMG Guidelines, 2015. Collection method: clinical testing. Allele origin: germline. Affected: yes.
Comment: The variant is observed at an extremely low frequency in the gnomAD v4.1.0 dataset (total allele frequency: <0.001%). Predicted Consequence/Location: Frameshift: predicted to result in a loss or disruption of normal protein function through nonsense-mediated decay (NMD) or protein truncation. Multiple pathogenic variants are reported downstream of the variant. The variant has been reported at least twice as pathogenic with clinical assertions and evidence for the classification (ClinVar ID: VCV000188732 /PMID: 10453196). Therefore, this variant is classified as Pathogenic according to the recommendation of ACMG/AMP guideline.

Labcorp Genetics (formerly Invitae), Labcorp
Classification: Pathogenic for Wilson disease. Last evaluated: 2025-11-24. Review status: criteria provided, single submitter. Criteria: Invitae Variant Classification Sherloc (09022015). Collection method: clinical testing. Allele origin: germline.
Comment: This sequence change creates a premature translational stop signal (p.Lys838Serfs*35) in the ATP7B gene. It is expected to result in an absent or disrupted protein product. Loss-of-function variants in ATP7B are known to be pathogenic (PMID: 10441329, 16283883). This variant is present in population databases (rs777362050, gnomAD 0.02%). This premature translational stop signal has been observed in individual(s) with Wilson disease (PMID: 10453196, 10721669). ClinVar contains an entry for this variant (Variation ID: 188732). For these reasons, this variant has been classified as Pathogenic.

Natera, Inc.
Classification: Pathogenic for Wilson disease. Last evaluated: 2025-08-28. Review status: criteria provided, single submitter. Criteria: Natera Variant Classification Schema (03/2026). Collection method: clinical testing. Allele origin: germline.
Comment: The c.2513delA variant in ATP7B is a frameshift variant predicted to shift the reading frame beginning at codon 838 and leads to a stop codon 35 codons downstream. This variant is expected to result in nonsense mediated decay, truncation, or a dysfunctional protein product. This variant is rare in the general population with a frequency below the threshold expected for the associated phenotype(s). This variant has been observed in one or more individuals affected with the associated recessive disease, as either homozygous or compound heterozygous with a second variant (PMID: 10721669). Additionally, this variant has been observed to segregate in affected family members (PMID: 10721669). Given the available evidence, this variant is classified as Pathogenic.

Baylor Genetics
Classification: Pathogenic for Wilson disease. Last evaluated: 2024-03-20. Review status: criteria provided, single submitter. Criteria: ACMG Guidelines, 2015. Collection method: clinical testing. Allele origin: unknown.

Revvity Omics, Revvity
Classification: Pathogenic for Wilson disease. Last evaluated: 2022-05-19. Review status: criteria provided, single submitter. Criteria: ACMG Guidelines, 2015. Collection method: clinical testing. Allele origin: germline.

Arcensus
Classification: Likely pathogenic for Wilson disease. Last evaluated: 2013-02-01. Review status: criteria provided, single submitter. Criteria: ACMG Guidelines, 2015. Collection method: clinical testing. Allele origin: germline. Affected: yes.

Counsyl
Classification: Likely pathogenic for Wilson's disease. Last evaluated: 2014-03-23. Review status: no assertion criteria provided. Collection method: literature only. Allele origin: unknown. Inheritance: Autosomal recessive inheritance. Not counted in ClinVar's aggregate classification.

OMIM
Classification: Pathogenic for WILSON DISEASE. Last evaluated: 2002-01-01. Review status: no assertion criteria provided. Collection method: literature only. Allele origin: germline. Not counted in ClinVar's aggregate classification.

Literature cited by the submitters: PubMed 10453196 (cited by 3 submitters); PubMed 10441329 (cited by Labcorp Genetics (formerly Invitae), Labcorp); PubMed 16283883 (cited by Labcorp Genetics (formerly Invitae), Labcorp); PubMed 10721669 (cited by 3 submitters); PubMed 10790207 (cited by Counsyl); PubMed 16998287 (cited by Counsyl); PubMed 12376745 (cited by OMIM).

NM_000053.4(ATP7B):c.2513del (p.Lys838fs)

Gene: ATP7B (ATPase copper transporting beta; minus strand). Cytogenetic location: 13q14.3.
Variant type: Deletion.
Coding change: c.2513del on transcript NM_000053.4 (MANE Select); coding-DNA position 2513, one base deleted (A; older notation c.2513delA).
Protein change: p.Lys838fs; shifts the reading frame from lysine 838.
Molecular consequence: frameshift variant.
Genome position (GRCh38, 1-based): chr13:51,950,334, T deleted on the plus strand (A on the coding strand, the reverse complement: ATP7B is on the minus strand); the first of 3 consecutive T bases (chr13:51,950,334-51,950,336); deleting any one gives the same sequence. VCF-style (leftmost placement, unchanged base first): chr13-51950333-CT-C. GRCh37 (hg19) VCF-style: chr13-52524469-CT-C.
Other names: c.2027del, p.Lys676fs (NM_001005918.3); c.2180del, p.Lys727fs (NM_001243182.2); c.2279del, p.Lys760fs (NM_001330578.2); c.2261del, p.Lys754fs (NM_001330579.2); short protein forms K727fs, K754fs, K760fs, K676fs, K838fs.
Identifiers: ClinVar variation 188732 (VCV000188732.33), dbSNP rs777362050, ClinGen allele CA273896.